The following is an entry in ClinVar:

ClinVar aggregate classification (germline): Conflicting classifications of pathogenicity. Review status: criteria provided, conflicting classifications (1 of 4 stars). 12 submissions from 12 submitters: Uncertain significance (7); Likely benign (3). 2 of the submissions do not count toward it. Last evaluated 2025-10-31.

Conditions:
BRCA2-related cancer predisposition. Identifiers: MedGen CN377758, MONDO:0700269.
Hereditary cancer-predisposing syndrome. Also called: Neoplastic Syndromes, Hereditary; Hereditary neoplastic syndrome; Hereditary Cancer Syndrome; Tumor predisposition. Identifiers: Orphanet 140162, MedGen C0027672, MeSH D009386, MONDO:0015356.
Hereditary breast ovarian cancer syndrome. Also called: Breast and ovarian cancer; BRCA1- and BRCA2-Associated Hereditary Breast and Ovarian Cancer; Hereditary breast and ovarian cancer syndrome (HBOC); Hereditary breast and/or ovarian cancer syndrome; Hereditary breast and ovarian cancer; Hereditary breast and ovarian cancer syndrome. Identifiers: Orphanet 145, MedGen C0677776, MeSH D061325, MONDO:0003582. Disease mechanism: loss of function.
Breast-ovarian cancer, familial, susceptibility to, 2 (BROVCA2). Also called: BRCA2 Hereditary Breast and Ovarian Cancer. Identifiers: Orphanet 145, MedGen C2675520, MONDO:0012933, OMIM 612555. Disease mechanism: loss of function.
Malignant tumor of breast. Also called: Malignant breast neoplasm; Cancer breast. Identifiers: MedGen C0006142, MONDO:0007254. Disease mechanism: loss of function.

Allele frequency attached by ClinVar (database versions not stated): TOPMed 0.00001; gnomAD 0.00001.
gnomAD v4.1: 2 of 1,607,834 alleles (0.00012%); highest among the groups gnomAD compares: Non-Finnish European, 0.00017%; no homozygotes.

Submissions (12):

Quest Diagnostics Nichols Institute San Juan Capistrano
Classification: Uncertain significance. Last evaluated: 2025-10-31. Review status: criteria provided, single submitter. Criteria: Quest Diagnostics criteria. Collection method: clinical testing. Allele origin: unknown.
Comment: The BRCA2 c.3767A>C (p.His1256Pro) variant has been reported in the published literature in individuals with breast and/or ovarian cancer (PMIDs: 28477318 (2017) and 32885271 (2021)). In addition, this variant has been reported to be located in a region of the BRCA2 gene that is tolerant to missense sequence changes (PMID: 31911673 (2020)). This variant has not been reported in large, multi-ethnic general populations (Genome Aggregation Database). Analysis of this variant using bioinformatics tools for the prediction of the effect of amino acid changes on protein structure and function yielded predictions that this variant is benign. Based on the available information, we are unable to determine the clinical significance of this variant.

Dasa
Classification: Uncertain significance for Breast-ovarian cancer, familial, susceptibility to, 2. Last evaluated: 2025-05-12. Review status: criteria provided, single submitter. Criteria: DASA Assertion Criteria. Collection method: clinical testing. Allele origin: germline.
Comment: NM_000059.4(BRCA2):c.3767A>C (p.His1256Pro) is a missense variant that results in the substitution of histidine with proline. This variant is rare in population databases. The currently available literature and clinical evidence are not sufficient to establish a definitive association between this variant and the reported condition. Therefore, this variant is classified as a variant of uncertain significance.

Labcorp Genetics (formerly Invitae), Labcorp
Classification: Uncertain significance for Hereditary breast ovarian cancer syndrome. Last evaluated: 2024-12-30. Review status: criteria provided, single submitter. Criteria: Invitae Variant Classification Sherloc (09022015). Collection method: clinical testing. Allele origin: germline.
Comment: This sequence change replaces histidine, which is basic and polar, with proline, which is neutral and non-polar, at codon 1256 of the BRCA2 protein (p.His1256Pro). This variant is not present in population databases (gnomAD no frequency). This missense change has been observed in individual(s) with breast cancer (PMID: 32885271). ClinVar contains an entry for this variant (Variation ID: 51519). Invitae Evidence Modeling of protein sequence and biophysical properties (such as structural, functional, and spatial information, amino acid conservation, physicochemical variation, residue mobility, and thermodynamic stability) indicates that this missense variant is not expected to disrupt BRCA2 protein function with a negative predictive value of 95%. In summary, the available evidence is currently insufficient to determine the role of this variant in disease. Therefore, it has been classified as a Variant of Uncertain Significance.

Ambry Genetics
Classification: Likely benign for Hereditary cancer-predisposing syndrome. Last evaluated: 2024-12-16. Review status: criteria provided, single submitter. Criteria: Ambry Variant Classification Scheme 2023. Collection method: clinical testing. Allele origin: germline.

Women's Health and Genetics/Laboratory Corporation of America, LabCorp
Classification: Uncertain significance. Last evaluated: 2024-11-12. Review status: criteria provided, single submitter. Criteria: LabCorp Variant Classification Summary - May 2015. Collection method: clinical testing. Allele origin: germline.
Comment: Variant summary: BRCA2 c.3767A>C (p.His1256Pro) results in a non-conservative amino acid change in the encoded protein sequence. Four of five in-silico tools predict a benign effect of the variant on protein function. The variant was absent in 245592 control chromosomes. The available data on variant occurrences in the general population are insufficient to allow any conclusion about variant significance. c.3767A>C has been reported in the literature in at-least one individual affected with Hereditary Breast And/or Ovarian Cancer Syndrome (example: Barrios_2017). These report(s) do not provide unequivocal conclusions about association of the variant with Hereditary Breast And Ovarian Cancer Syndrome. To our knowledge, no experimental evidence demonstrating an impact on protein function has been reported. The following publication has been ascertained in the context of this evaluation (PMID: 28477318). ClinVar contains an entry for this variant (Variation ID: 51519). Based on the evidence outlined above, the variant was classified as uncertain significance.

All of Us Research Program, National Institutes of Health
Classification: Uncertain significance for BRCA2-related cancer predisposition. Last evaluated: 2024-09-23. Review status: criteria provided, single submitter. Criteria: ACMG Guidelines, 2015. Collection method: clinical testing. Allele origin: germline. Inheritance: Autosomal dominant inheritance. Observed: 1 variant allele, 1 heterozygote.
Comment: This missense variant replaces histidine with proline at codon 1256 of the BRCA2 protein. Computational prediction suggests that this variant may not impact protein structure and function (internally defined REVEL score threshold <= 0.5, PMID: 27666373). To our knowledge, functional studies have not been reported for this variant. This variant has been reported in 1 individual affected with breast and/or ovarian cancer (PMID: 28477318). This variant has not been identified in the general population by the Genome Aggregation Database (gnomAD). The available evidence is insufficient to determine the role of this variant in disease conclusively. Therefore, this variant is classified as a Variant of Uncertain Significance.

This study involves interpretation of variants in research participants for the purpose of population health screening. Participant phenotype was not available at the time of variant classification. Additional details can be found in publication PMID: 35346344, PMCID: PMC8962531

University of Washington Department of Laboratory Medicine, University of Washington
Classification: Likely benign for Hereditary cancer-predisposing syndrome. Last evaluated: 2023-03-23. Review status: criteria provided, single submitter. Criteria: Dines et al. (Genet Med. 2020). Collection method: curation. Allele origin: germline.
Comment: Missense variant in a coldspot region where missense variants are very unlikely to be pathogenic (PMID:31911673).

BRCA2 exon 11 coldspot. Reclassification based on statistical prior probability.

GeneDx
Classification: Uncertain significance. Last evaluated: 2023-02-09. Review status: criteria provided, single submitter. Criteria: GeneDx Variant Classification Process June 2021. Collection method: clinical testing. Allele origin: germline.
Comment: In silico analysis supports that this missense variant does not alter protein structure/function; Not observed at significant frequency in large population cohorts (gnomAD); Observed in at least one individual with a personal and/or family history consistent with pathogenic variants in this gene (Gabaldo Barrios et al., 2017); Also known as 3995A>C; This variant is associated with the following publications: (PMID: 25348012, 24817641, 21523855, 28477318)

Color Diagnostics, LLC DBA Color Health
Classification: Uncertain significance for Hereditary cancer-predisposing syndrome. Last evaluated: 2022-03-29. Review status: criteria provided, single submitter. Criteria: ACMG Guidelines, 2015. Collection method: clinical testing. Allele origin: germline.
Comment: This missense variant replaces histidine with proline at codon 1256 of the BRCA2 protein. Computational prediction suggests that this variant may not impact protein structure and function (internally defined REVEL score threshold <= 0.5, PMID: 27666373). To our knowledge, functional studies have not been reported for this variant. This variant has been reported in 1 individual affected with breast and/or ovarian cancer (PMID: 28477318). This variant has not been identified in the general population by the Genome Aggregation Database (gnomAD). The available evidence is insufficient to determine the role of this variant in disease conclusively. Therefore, this variant is classified as a Variant of Uncertain Significance.

Mendelics
Classification: Likely benign for Breast-ovarian cancer, familial, susceptibility to, 2. Last evaluated: 2019-05-28. Review status: criteria provided, single submitter. Criteria: Mendelics Assertion Criteria 2017. Collection method: clinical testing. Allele origin: unknown.

Breast Cancer Information Core (BIC) (BRCA2)
Classification: Uncertain significance for Breast-ovarian cancer, familial 2. Last evaluated: 2002-05-29. Review status: no assertion criteria provided. Collection method: clinical testing. Allele origin: germline. Affected: yes. Observed: 1 variant allele. Not counted in ClinVar's aggregate classification.

Department of Pathology and Laboratory Medicine, Sinai Health System
Classification: Uncertain significance for Malignant tumor of breast. Review status: no assertion criteria provided. Collection method: clinical testing. Allele origin: unknown. Affected: yes. Study: The Canadian Open Genetics Repository (COGR). Not counted in ClinVar's aggregate classification.
Comment: The BRCA2 p.His1256Pro variant was not identified in the literature nor was it identified in the COGR, Cosmic, MutDB, LOVD 3.0, ARUP Laboratories, Zhejiang University database, the 1000 Genomes Project, the NHLBI GO Exome Sequencing Project, the Exome Aggregation Consortium (August 8th 2016), or the Genome Aggregation Database (Feb 27, 2017). The variant was identified in dbSNP (ID: rs80358618) as "With Uncertain significance allele", ClinVar (classified as uncertain significance by Ambry genetics, BIC), UMD-LSDB (2x as unclassified variant), and in BIC Database (1x unknown significance). The p.His1256 residue is not conserved in mammals and four out of five computational analyses (PolyPhen-2, SIFT, AlignGVGD, BLOSUM, MutationTaster) do not suggest a high likelihood of impact to the protein; however, this information is not predictive enough to rule out pathogenicity. The variant occurs outside of the splicing consensus sequence and in silico or computational prediction software programs (SpliceSiteFinder, MaxEntScan, NNSPLICE, GeneSplicer, HumanSpliceFinder) do not predict a difference in splicing. In summary, based on the above information the clinical significance of this variant cannot be determined with certainty at this time. This variant is classified as a variant of uncertain significance.

Literature cited by the submitters: PubMed 28477318 (cited by 5 submitters); PubMed 32885271 (cited by 3 submitters); PubMed 31911673 (cited by Quest Diagnostics Nichols Institute San Juan Capistrano).

NM_000059.4(BRCA2):c.3767A>C (p.His1256Pro)

Gene: BRCA2 (BRCA2 DNA repair associated; plus strand). Cytogenetic location: 13q13.1.
Variant type: single nucleotide variant.
Coding change: c.3767A>C on transcript NM_000059.4 (MANE Select); coding-DNA position 3767, A replaced by C.
Protein change: p.His1256Pro; replaces histidine 1256 with proline.
Molecular consequence: missense variant.
Genome position (GRCh38, 1-based): chr13:32,338,122, A>C. VCF-style: chr13-32338122-A-C. GRCh37 (hg19) VCF-style: chr13-32912259-A-C.
Other names: short protein forms H1256P.
Identifiers: ClinVar variation 51519 (VCV000051519.31), dbSNP rs80358618, ClinGen allele CA018748.